The following is an entry in ClinVar:

ClinVar aggregate classification (germline): Uncertain significance. Review status: criteria provided, multiple submitters, no conflicts (2 of 4 stars). 6 submissions from 6 submitters: Uncertain significance (6). Last evaluated 2025-10-22.

Conditions:
Wilson disease (WND). Also called: Wilson's disease. Identifiers: Orphanet 905, MedGen C0019202, MONDO:0010200, OMIM 277900. Disease mechanism: loss of function.
Inborn genetic diseases. Identifiers: MedGen C0950123, MeSH D030342.

Allele frequency attached by ClinVar (database versions not stated): gnomAD 0.00001; TOPMed 0.00001.
gnomAD v4.1: 14 of 1,613,880 alleles (0.00087%); highest among the groups gnomAD compares: East Asian, 0.0089%; no homozygotes.

Submissions (6):

Ambry Genetics
Classification: Uncertain significance for Inborn genetic diseases. Last evaluated: 2025-10-22. Review status: criteria provided, single submitter. Criteria: Ambry Variant Classification Scheme 2023. Collection method: clinical testing. Allele origin: germline.

GeneDx
Classification: Uncertain significance. Last evaluated: 2025-07-01. Review status: criteria provided, single submitter. Criteria: GeneDx Variant Classification Process June 2021. Collection method: clinical testing. Allele origin: germline. Affected: yes.
Comment: Not observed at significant frequency in large population cohorts (gnomAD); In silico analysis suggests that this missense variant does not alter protein structure/function; Has not been previously published as pathogenic or benign to our knowledge

Blueprint Genetics
Classification: Uncertain significance. Last evaluated: 2024-09-13. Review status: criteria provided, single submitter. Criteria: ACMG Guidelines, 2015. Collection method: clinical testing. Allele origin: germline.

CeGaT Center for Human Genetics Tuebingen
Classification: Uncertain significance. Last evaluated: 2023-10-01. Review status: criteria provided, single submitter. Criteria: CeGaT Center For Human Genetics Tuebingen Variant Classification Criteria Version 2. Collection method: clinical testing. Allele origin: germline. Affected: yes. Observed: 1 variant allele.
Comment: ATP7B: PM2, PM5

Color Diagnostics, LLC DBA Color Health
Classification: Uncertain significance for Wilson disease. Last evaluated: 2022-11-17. Review status: criteria provided, single submitter. Criteria: ACMG Guidelines, 2015. Collection method: clinical testing. Allele origin: germline.
Comment: This missense variant replaces leucine with valine at codon 641 of the ATP7B protein. Computational prediction is inconclusive regarding the impact of this variant on protein structure and function. To our knowledge, functional studies have not been reported for this variant. This variant has not been reported in individuals affected with ATP7B-related disorders in the literature. This variant has been identified in 1/249586 chromosomes in the general population by the Genome Aggregation Database (gnomAD). The available evidence is insufficient to determine the role of this variant in disease conclusively. Therefore, this variant is classified as a Variant of Uncertain Significance.

Labcorp Genetics (formerly Invitae), Labcorp
Classification: Uncertain significance for Wilson disease. Last evaluated: 2022-03-19. Review status: criteria provided, single submitter. Criteria: Invitae Variant Classification Sherloc (09022015). Collection method: clinical testing. Allele origin: germline.
Comment: This sequence change replaces leucine, which is neutral and non-polar, with valine, which is neutral and non-polar, at codon 641 of the ATP7B protein (p.Leu641Val). This variant is present in population databases (no rsID available, gnomAD 0.006%). This variant has not been reported in the literature in individuals affected with ATP7B-related conditions. Algorithms developed to predict the effect of missense changes on protein structure and function (SIFT, PolyPhen-2, Align-GVGD) all suggest that this variant is likely to be disruptive. In summary, the available evidence is currently insufficient to determine the role of this variant in disease. Therefore, it has been classified as a Variant of Uncertain Significance.

NM_000053.4(ATP7B):c.1921T>G (p.Leu641Val)

Gene: ATP7B (ATPase copper transporting beta; minus strand). Cytogenetic location: 13q14.3.
Variant type: single nucleotide variant.
Coding change: c.1921T>G on transcript NM_000053.4 (MANE Select); coding-DNA position 1921, T replaced by G.
Protein change: p.Leu641Val; replaces leucine 641 with valine.
Molecular consequence: missense variant. On other transcripts: intron variant (2).
Genome position (GRCh38, 1-based): chr13:51,961,862, A>C on the plus strand (T>G on the coding strand, the complement: ATP7B is on the minus strand). VCF-style: chr13-51961862-A-C. GRCh37 (hg19) VCF-style: chr13-52535998-A-C.
Other names: c.1588T>G, p.Leu530Val (NM_001243182.2); c.1921T>G, p.Leu641Val (NM_001330578.2, NM_001406511.1, NM_001406512.1 and 16 more transcripts); c.1888T>G, p.Leu630Val (NM_001406514.1, NM_001406524.1); c.1825T>G, p.Leu609Val (NM_001406530.1, NM_001406536.1, NM_001406517.1 and 1 more transcripts); c.1492T>G, p.Leu498Val (NM_001406539.1); c.1869+3010T>G (NM_001005918.3, NM_001330579.2); short protein forms L630V, L530V, L609V, L641V, L498V.
Identifiers: ClinVar variation 2060746 (VCV002060746.28), dbSNP rs891441232, ClinGen allele CA250060805.